The following is an entry in ClinVar:

ClinVar aggregate classification (germline): Uncertain significance (1 of 4 stars; one submission).

Submission:

GeneDx
Classification: Uncertain significance. Last evaluated: 2023-05-06. Review status: criteria provided, single submitter. Criteria: GeneDx Variant Classification Process June 2021. Collection method: clinical testing. Allele origin: germline. Affected: yes.
Comment: Not observed at significant frequency in large population cohorts (gnomAD); In silico analysis supports that this missense variant does not alter protein structure/function; Has not been previously published as pathogenic or benign to our knowledge

NM_006828.4(ASCC3):c.4672G>A (p.Val1558Ile)

Gene: ASCC3 (activating signal cointegrator 1 complex subunit 3; minus strand). Cytogenetic location: 6q16.3.
Variant type: single nucleotide variant.
Coding change: c.4672G>A on transcript NM_006828.4 (MANE Select); coding-DNA position 4672, G replaced by A.
Protein change: p.Val1558Ile; replaces valine 1558 with isoleucine.
Molecular consequence: missense variant.
Genome position (GRCh38, 1-based): chr6:100,625,305, C>T on the plus strand (G>A on the coding strand, the complement: ASCC3 is on the minus strand). VCF-style: chr6-100625305-C-T. GRCh37 (hg19) VCF-style: chr6-101073181-C-T.
Other names: short protein forms V1558I.
Identifiers: ClinVar variation 3343296 (VCV003343296.1).